The following is an entry in ClinVar:

ClinVar aggregate classification (germline): Conflicting classifications of pathogenicity. Review status: criteria provided, conflicting classifications (1 of 4 stars). 5 submissions from 4 submitters: Likely pathogenic (2); Uncertain significance (3). Last evaluated 2026-03-05.

Conditions:
Asphyxiating thoracic dystrophy 5 (SRTD5). Also called: SHORT-RIB THORACIC DYSPLASIA 5 WITH OR WITHOUT POLYDACTYLY; SHORT-RIB THORACIC DYSPLASIA 5 WITHOUT POLYDACTYLY. Identifiers: Orphanet 474, MedGen C3280598, MONDO:0013717, OMIM 614376.
Senior-Loken syndrome 8 (SLSN8). Identifiers: Orphanet 3156, MedGen C4225376, MONDO:0014579, OMIM 616307.
WDR19-related disorder. Also called: WDR19-related disorders; WDR19-related condition. Identifiers: MedGen CN380161.
Cranioectodermal dysplasia 4 (CED4). Identifiers: Orphanet 1515, MedGen C3280616, MONDO:0013719, OMIM 614378.

Allele frequency attached by ClinVar (database versions not stated): gnomAD exomes below 0.00001; ExAC 0.00002.
gnomAD v4.1: 7 of 1,613,370 alleles (0.00043%); highest among the groups gnomAD compares: African/African-American, 0.0013%; no homozygotes.

Submissions (5):

Mendelics
Classification: Uncertain significance for Senior-Loken syndrome 8. Last evaluated: 2026-03-05. Review status: criteria provided, single submitter. Criteria: ACMG Guidelines, 2015. Collection method: clinical testing. Allele origin: unknown.
Comment: The available evidence is insufficient to conclusively determine the role of this variant. Therefore, it is classified as a Variant of Uncertain Significance.

Labcorp Genetics (formerly Invitae), Labcorp
Classification: Likely pathogenic for Senior-Loken syndrome 8; Asphyxiating thoracic dystrophy 5. Last evaluated: 2025-05-21. Review status: criteria provided, single submitter. Criteria: Invitae Variant Classification Sherloc (09022015). Collection method: clinical testing. Allele origin: germline.
Comment: This sequence change replaces isoleucine, which is neutral and non-polar, with phenylalanine, which is neutral and non-polar, at codon 928 of the WDR19 protein (p.Ile928Phe). This variant is present in population databases (rs780963454, gnomAD 0.002%). This missense change has been observed in individual(s) with clinical features of WDR19-related conditions (PMID: 31725169; internal data). In at least one individual the data is consistent with being in trans (on the opposite chromosome) from a pathogenic variant. ClinVar contains an entry for this variant (Variation ID: 348744). Invitae Evidence Modeling of protein sequence and biophysical properties (such as structural, functional, and spatial information, amino acid conservation, physicochemical variation, residue mobility, and thermodynamic stability) indicates that this missense variant is expected to disrupt WDR19 protein function with a positive predictive value of 95%. In summary, the currently available evidence indicates that the variant is pathogenic, but additional data are needed to prove that conclusively. Therefore, this variant has been classified as Likely Pathogenic.

Blueprint Genetics
Classification: Likely pathogenic for WDR19-related disorders. Last evaluated: 2020-10-08. Review status: criteria provided, single submitter. Criteria: ACMG Guidelines, 2015. Collection method: clinical testing. Allele origin: germline. Affected: yes. Observed: 2 variant alleles.

Illumina Laboratory Services, Illumina
Classification: Uncertain significance for Asphyxiating thoracic dystrophy 5. Last evaluated: 2018-01-13. Review status: criteria provided, single submitter. Criteria: ICSL Variant Classification Criteria 13 December 2019. Collection method: clinical testing. Allele origin: germline.

Illumina Laboratory Services, Illumina
Classification: Uncertain significance for Cranioectodermal dysplasia 4. Last evaluated: 2018-01-13. Review status: criteria provided, single submitter. Criteria: ICSL Variant Classification Criteria 13 December 2019. Collection method: clinical testing. Allele origin: germline.

Literature cited by the submitters: PubMed 31725169 (cited by Labcorp Genetics (formerly Invitae), Labcorp).

NM_025132.4(WDR19):c.2782A>T (p.Ile928Phe)

Gene: WDR19 (WD repeat domain 19; plus strand). Cytogenetic location: 4p14.
Variant type: single nucleotide variant.
Coding change: c.2782A>T on transcript NM_025132.4 (MANE Select); coding-DNA position 2782, A replaced by T.
Protein change: p.Ile928Phe; replaces isoleucine 928 with phenylalanine.
Molecular consequence: missense variant.
Genome position (GRCh38, 1-based): chr4:39,253,198, A>T. VCF-style: chr4-39253198-A-T. GRCh37 (hg19) VCF-style: chr4-39254818-A-T.
Other names: c.2302A>T, p.Ile768Phe (NM_001317924.2); short protein forms I928F, I768F.
Identifiers: ClinVar variation 348744 (VCV000348744.14), dbSNP rs780963454, ClinGen allele CA2892191.